The following is an entry in ClinVar:

NM_002230.4(JUP):c.587C>T (p.Thr196Ile)

Gene: JUP (junction plakoglobin; minus strand). Cytogenetic location: 17q21.2.
Variant type: single nucleotide variant.
Coding change: c.587C>T on transcript NM_002230.4 (MANE Select); coding-DNA position 587, C replaced by T.
Protein change: p.Thr196Ile; replaces threonine 196 with isoleucine.
Molecular consequence: missense variant.
Genome position (GRCh38, 1-based): chr17:41,769,089, G>A on the plus strand (C>T on the coding strand, the complement: JUP is on the minus strand). VCF-style: chr17-41769089-G-A. GRCh37 (hg19) VCF-style: chr17-39925341-G-A.
Other names: c.587C>T, p.Thr196Ile (NM_001352773.2, NM_001352774.2, NM_001352775.2 and 3 more transcripts); short protein forms T196I.
Identifiers: ClinVar variation 4089554 (VCV004089554.1).

ClinVar aggregate classification (germline): Uncertain significance (1 of 4 stars; one submission).

Conditions:
Cardiovascular phenotype. Identifiers: MedGen CN230736.

gnomAD v4.1: 1 of 1,613,136 alleles (0.000062%); highest among the groups gnomAD compares: Non-Finnish European, 0.000085%; no homozygotes.

Submission:

Ambry Genetics
Classification: Uncertain significance for Cardiovascular phenotype. Last evaluated: 2025-07-28. Review status: criteria provided, single submitter. Criteria: Ambry Variant Classification Scheme 2023. Collection method: clinical testing. Allele origin: germline.
Comment: The p.T196I variant (also known as c.587C>T), located in coding exon 3 of the JUP gene, results from a C to T substitution at nucleotide position 587. The threonine at codon 196 is replaced by isoleucine, an amino acid with similar properties. This amino acid position is conserved. In addition, the in silico prediction for this alteration is inconclusive. Based on the available evidence, the clinical significance of this variant remains unclear.